The following is an entry in ClinVar:

NM_000548.5(TSC2):c.5047G>A (p.Val1683Met)

Gene: TSC2 (TSC complex subunit 2; plus strand). Cytogenetic location: 16p13.3.
Variant type: single nucleotide variant.
Coding change: c.5047G>A on transcript NM_000548.5 (MANE Select); coding-DNA position 5047, G replaced by A.
Protein change: p.Val1683Met; replaces valine 1683 with methionine.
Molecular consequence: missense variant. On other transcripts: non-coding transcript variant (5).
Genome position (GRCh38, 1-based): chr16:2,087,920, G>A. VCF-style: chr16-2087920-G-A. GRCh37 (hg19) VCF-style: chr16-2137921-G-A.
Other names: c.4846G>A, p.Val1616Met (NM_001077183.3); c.4978G>A, p.Val1660Met (NM_001114382.3); c.4738G>A, p.Val1580Met (NM_001318827.2); c.4702G>A, p.Val1568Met (NM_001318829.2); c.4315G>A, p.Val1439Met (NM_001318831.2); c.4879G>A, p.Val1627Met (NM_001318832.2); c.4849G>A, p.Val1617Met (NM_001363528.2); c.4915G>A, p.Val1639Met (NM_001370404.1); and 26 more; short protein forms V1082M, V1168M, V1169M, V1191M, V1192M, V1212M, V1416M, V1417M.
Identifiers: ClinVar variation 3367669 (VCV003367669.2).
Genomic context (GRCh38, chr16:2,087,920, plus strand): 5'-CAGGGCCAGTTCAACTTTGTCCACGTGATCGTCACCCCGCTGGACTACGAGTGCAACCTG[G>A]TGTCCCTGCAGTGCAGGAAAGGTAGGGCCGGGTGGGGCCCTGCAGTGCAGGAAAGGTAGG-3'
Protein context (NP_000539.2, residues 1673-1693): VTPLDYECNL[Val1683Met]SLQCRKDMEG

ClinVar aggregate classification (germline): Uncertain significance. Review status: criteria provided, multiple submitters, no conflicts (2 of 4 stars). 2 submissions from 2 submitters: Uncertain significance (2). Last evaluated 2025-12-03.

Conditions:
Hereditary cancer-predisposing syndrome. Also called: Tumor predisposition; Neoplastic Syndromes, Hereditary; Hereditary neoplastic syndrome; Hereditary Cancer Syndrome. Identifiers: Orphanet 140162, MedGen C0027672, MeSH D009386, MONDO:0015356.

Submissions (2):

Ambry Genetics
Classification: Uncertain significance for Hereditary cancer-predisposing syndrome. Last evaluated: 2025-12-03. Review status: criteria provided, single submitter. Criteria: Ambry Variant Classification Scheme 2023. Collection method: clinical testing. Allele origin: germline.
Comment: The c.5047G>A (p.V1683M) alteration is located in exon 39 (coding exon 38) of the TSC2 gene. This alteration results from a G to A substitution at nucleotide position 5047, causing the valine (V) at amino acid position 1683 to be replaced by a methionine (M). This variant was not reported in population-based cohorts in the Genome Aggregation Database (gnomAD). This amino acid position is not well conserved in available vertebrate species. This alteration is predicted to be deleterious by in silico analysis. Based on insufficient or conflicting evidence, the clinical significance of this alteration remains unclear.

GeneDx
Classification: Uncertain significance. Last evaluated: 2024-01-07. Review status: criteria provided, single submitter. Criteria: GeneDx Variant Classification Process June 2021. Collection method: clinical testing. Allele origin: germline. Affected: yes.
Comment: Not observed at significant frequency in large population cohorts (gnomAD); In silico analysis supports that this missense variant does not alter protein structure/function; Has not been previously published as pathogenic or benign to our knowledge; This variant is associated with the following publications: (PMID: 18466115)